The following is an entry in ClinVar:

NM_000760.4(CSF3R):c.1266G>A (p.Val422=)

Gene: CSF3R (colony stimulating factor 3 receptor; minus strand). Cytogenetic location: 1p34.3.
Variant type: single nucleotide variant.
Coding change: c.1266G>A on transcript NM_000760.4 (MANE Select); coding-DNA position 1266, G replaced by A.
Protein change: p.Val422=; no amino-acid change (valine 422 retained).
Molecular consequence: synonymous variant.
Genome position (GRCh38, 1-based): chr1:36,471,452, C>T on the plus strand (G>A on the coding strand, the complement: CSF3R is on the minus strand). VCF-style: chr1-36471452-C-T. GRCh37 (hg19) VCF-style: chr1-36937053-C-T.
Other names: c.1266G>A, p.Val422= (NM_156039.3, NM_172313.3).
Identifiers: ClinVar variation 1003147 (VCV001003147.9), dbSNP rs746450541, ClinGen allele CA417176040.

ClinVar aggregate classification (germline): Uncertain significance (1 of 4 stars; one submission).

Conditions:
Autosomal recessive severe congenital neutropenia due to CSF3R deficiency. Also called: Neutropenia, severe congenital, 7, autosomal recessive. Identifiers: Orphanet 420702, MedGen C4310764, MONDO:0014865, OMIM 617014.

Submission:

Labcorp Genetics (formerly Invitae), Labcorp
Classification: Uncertain significance for Autosomal recessive severe congenital neutropenia due to CSF3R deficiency. Last evaluated: 2020-02-17. Review status: criteria provided, single submitter. Criteria: Invitae Variant Classification Sherloc (09022015). Collection method: clinical testing. Allele origin: germline.
Comment: In summary, the available evidence is currently insufficient to determine the role of this variant in disease. Therefore, it has been classified as a Variant of Uncertain Significance. Algorithms developed to predict the effect of sequence changes on RNA splicing suggest that this variant may create or strengthen a splice site, but this prediction has not been confirmed by published transcriptional studies. This sequence change affects codon 422 of the CSF3R mRNA. It is a 'silent' change, meaning that it does not change the encoded amino acid sequence of the CSF3R protein. This variant is not present in population databases (ExAC no frequency). This variant has not been reported in the literature in individuals with CSF3R-related conditions.